The following is an entry in ClinVar:

NM_000795.4(DRD2):c.295G>A (p.Glu99Lys)

Gene: DRD2 (dopamine receptor D2; minus strand). Cytogenetic location: 11q23.2.
Variant type: single nucleotide variant.
Coding change: c.295G>A on transcript NM_000795.4 (MANE Select); coding-DNA position 295, G replaced by A.
Protein change: p.Glu99Lys; replaces glutamic acid 99 with lysine.
Molecular consequence: missense variant.
Genome position (GRCh38, 1-based): chr11:113,418,127, C>T on the plus strand (G>A on the coding strand, the complement: DRD2 is on the minus strand). VCF-style: chr11-113418127-C-T. GRCh37 (hg19) VCF-style: chr11-113288849-C-T.
Other names: c.295G>A, p.Glu99Lys (NM_016574.4); c.295G>A (NM_000795.3); short protein forms E99K.
Identifiers: ClinVar variation 1005742 (VCV001005742.9), dbSNP rs199765712, ClinGen allele CA6281435.

ClinVar aggregate classification (germline): Uncertain significance. Review status: criteria provided, multiple submitters, no conflicts (2 of 4 stars). 2 submissions from 2 submitters: Uncertain significance (2). Last evaluated 2024-05-28.

Conditions:
Dystonic disorder. Also called: Dystonia. Identifiers: MedGen C0013421, MONDO:0003441, HP:0001332.

Allele frequency attached by ClinVar (database versions not stated): ExAC 0.00001; TOPMed 0.00001; gnomAD exomes 0.00004.
gnomAD v4.1: 53 of 1,613,986 alleles (0.0033%); highest among the groups gnomAD compares: Admixed American, 0.005%; no homozygotes.

Submissions (2):

Ambry Genetics
Classification: Uncertain significance. Last evaluated: 2024-05-28. Review status: criteria provided, single submitter. Criteria: Ambry Variant Classification Scheme 2023. Collection method: clinical testing. Allele origin: germline.

Labcorp Genetics (formerly Invitae), Labcorp
Classification: Uncertain significance for Dystonic disorder. Last evaluated: 2020-05-12. Review status: criteria provided, single submitter. Criteria: Invitae Variant Classification Sherloc (09022015). Collection method: clinical testing. Allele origin: germline.
Comment: In summary, the available evidence is currently insufficient to determine the role of this variant in disease. Therefore, it has been classified as a Variant of Uncertain Significance. Algorithms developed to predict the effect of missense changes on protein structure and function are either unavailable or do not agree on the potential impact of this missense change (SIFT: "Deleterious"; PolyPhen-2: "Benign"; Align-GVGD: "Class C55"). This variant has not been reported in the literature in individuals with DRD2-related conditions. This variant is present in population databases (rs199765712, ExAC 0.002%). This sequence change replaces glutamic acid with lysine at codon 99 of the DRD2 protein (p.Glu99Lys). The glutamic acid residue is highly conserved and there is a small physicochemical difference between glutamic acid and lysine.